The following is an entry in ClinVar:

ClinVar aggregate classification (germline): Pathogenic (0 of 4 stars; one submission).

Conditions:
Atypical hemolytic-uremic syndrome. Identifiers: Orphanet 2134, MedGen C2931788, MONDO:0016244.

Submission:

Sydney Genome Diagnostics, Children's Hospital Westmead
Classification: Pathogenic for Atypical hemolytic-uremic syndrome. Last evaluated: 2016-08-19. Review status: no assertion criteria provided. Collection method: clinical testing. Allele origin: unknown. Affected: yes. Observed: 1 variant allele, 1 heterozygote.
Comment: This variant has been reported in the literature as the causative mutation of C3 glomerulonephritis in patients of Cypriot origin (Gale et al 2010 Lancet 376:794-801; Athanasiou et al 2011 Clin J Am Soc Nephrol 6:1436-1446). The duplication of exons 2 and 3 was shown to be within the CFHR5 gene and affected the affinity of complement binding in vitro. The physiological impact of this is uncertain (Gale et al 2010). This variant is considered to be likely pathogenic according to the ACMG guidelines.

NM_030787.3:c.(58+1_59-1)_(430+1_431-1)dup

Gene: CFHR5 (complement factor H related 5; plus strand).
Variant type: Duplication.
Identifiers: ClinVar variation 988223 (VCV000988223.1).